The following is an entry in ClinVar:

NM_000222.3(KIT):c.2866C>T (p.Arg956Trp)

Gene: KIT (KIT proto-oncogene, receptor tyrosine kinase; plus strand). Cytogenetic location: 4q12.
Variant type: single nucleotide variant.
Coding change: c.2866C>T on transcript NM_000222.3 (MANE Select); coding-DNA position 2866, C replaced by T.
Protein change: p.Arg956Trp; replaces arginine 956 with tryptophan.
Molecular consequence: missense variant.
Genome position (GRCh38, 1-based): chr4:54,738,492, C>T. VCF-style: chr4-54738492-C-T. GRCh37 (hg19) VCF-style: chr4-55604658-C-T.
Other names: c.2854C>T, p.Arg952Trp (NM_001093772.2, NM_001385292.1); c.2869C>T, p.Arg957Trp (NM_001385284.1); c.2863C>T, p.Arg955Trp (NM_001385285.1); c.2851C>T, p.Arg951Trp (NM_001385286.1); c.2857C>T, p.Arg953Trp (NM_001385288.1); c.2866C>T, p.Arg956Trp (NM_001385290.1); short protein forms R956W, R952W, R951W, R953W, R955W, R957W.
Identifiers: ClinVar variation 134627 (VCV000134627.19), dbSNP rs587778433, ClinGen allele CA160368.

ClinVar aggregate classification (germline): Conflicting classifications of pathogenicity. Review status: criteria provided, conflicting classifications (1 of 4 stars). 7 submissions from 7 submitters: Uncertain significance (4); Likely benign (2). 1 of the submissions does not count toward it. Last evaluated 2026-09-25.

Conditions:
Germ cell tumor of testis (TGCT). Also called: Testicular germ cell tumor; GERM CELL TUMOR, SOMATIC. Identifiers: Orphanet 363504, MedGen C1336708, MONDO:0010108, OMIM 273300.
Gastrointestinal stromal tumor. Also called: Gastrointestinal stromal tumor, somatic; Gastrointestinal stroma tumor. Identifiers: Orphanet 44890, MedGen C0238198, MeSH D046152, MONDO:0011719, OMIM 606764, HP:0100723.
Piebaldism. Also called: Piebald skin depigmentation. Identifiers: Orphanet 2884, MedGen C0080024, MONDO:0008244, OMIM 172800, HP:0007544.
Cutaneous mastocytosis. Also called: MASTOCYTOSIS, MACULOPAPULAR CUTANEOUS. Identifiers: Orphanet 66646, MedGen C1136033, MONDO:0019023, OMIM 154800, HP:0200151.
Acute myeloid leukemia (AML). Also called: Acute myeloid leukemia, adult; AML adult; Acute non-lymphocytic leukemia; Acute granulocytic leukemia; Leukemia, acute myeloid, somatic; Leukemia, acute myelogenous, somatic. Identifiers: Orphanet 519, MedGen C0023467, MeSH D015470, MONDO:0018874, OMIM 601626, HP:0004808. Disease mechanism: Constitutively activated FLT3.
KIT-related disorder. Also called: KIT-related condition.
Hereditary cancer-predisposing syndrome. Also called: Tumor predisposition; Neoplastic Syndromes, Hereditary; Hereditary neoplastic syndrome; Hereditary Cancer Syndrome. Identifiers: Orphanet 140162, MedGen C0027672, MeSH D009386, MONDO:0015356.

Allele frequency attached by ClinVar (database versions not stated): ExAC 0.00001; TOPMed 0.00001; gnomAD 0.00002; gnomAD exomes 0.00002 and 0.00003.
gnomAD v4.1: 47 of 1,613,892 alleles (0.0029%); highest among the groups gnomAD compares: East Asian, 0.0089%; no homozygotes.

Submissions (7):

PreventionGenetics, part of Exact Sciences
Classification: Uncertain significance for KIT-related condition. Last evaluated: 2026-09-25. Review status: criteria provided, single submitter. Criteria: ACMG Guidelines, 2015. Collection method: clinical testing. Allele origin: germline.
Comment: The KIT c.2866C>T variant is predicted to result in the amino acid substitution p.Arg956Trp. To our knowledge, this variant has not been reported in the literature. This variant is reported in 0.011% of alleles in individuals of East Asian descent in gnomAD and has conflicting interpretations in ClinVar ranging from uncertain to likely benign (Variation ID: 134627). Although we suspect this variant may be benign, at this time, the clinical significance of this variant is uncertain due to the absence of conclusive functional and genetic evidence.

Myriad Genetics, Inc.
Classification: Likely benign for Gastrointestinal stromal tumor. Last evaluated: 2026-06-02. Review status: criteria provided, single submitter. Criteria: Myriad Autosomal Dominant, Autosomal Recessive and X-Linked Classification Criteria (2023). Collection method: clinical testing. Allele origin: unknown.
Comment: This variant is considered likely benign. This variant has been observed at a population frequency that is significantly greater than expected given the associated disease prevalence and penetrance.

Labcorp Genetics (formerly Invitae), Labcorp
Classification: Uncertain significance for Gastrointestinal stromal tumor. Last evaluated: 2025-12-28. Review status: criteria provided, single submitter. Criteria: Invitae Variant Classification Sherloc (09022015). Collection method: clinical testing. Allele origin: germline.
Comment: This sequence change replaces arginine, which is basic and polar, with tryptophan, which is neutral and slightly polar, at codon 956 of the KIT protein (p.Arg956Trp). This variant is present in population databases (rs587778433, gnomAD 0.01%). This variant has not been reported in the literature in individuals affected with KIT-related conditions. ClinVar contains an entry for this variant (Variation ID: 134627). An algorithm developed to predict the effect of missense changes on protein structure and function (PolyPhen-2) suggests that this variant is likely to be disruptive. In summary, the available evidence is currently insufficient to determine the role of this variant in disease. Therefore, it has been classified as a Variant of Uncertain Significance.

Ambry Genetics
Classification: Likely benign for Hereditary cancer-predisposing syndrome. Last evaluated: 2025-01-05. Review status: criteria provided, single submitter. Criteria: Ambry Variant Classification Scheme 2023. Collection method: clinical testing. Allele origin: germline.

Baylor Genetics
Classification: Uncertain significance for Gastrointestinal stromal tumor. Last evaluated: 2023-07-11. Review status: criteria provided, single submitter. Criteria: ACMG Guidelines, 2015. Collection method: clinical testing. Allele origin: unknown.

Fulgent Genetics
Classification: Uncertain significance for Cutaneous mastocytosis; Piebaldism; Germ cell tumor of testis; Acute myeloid leukemia; Gastrointestinal stromal tumor. Last evaluated: 2021-08-12. Review status: criteria provided, single submitter. Criteria: ACMG Guidelines, 2015. Collection method: clinical testing. Allele origin: unknown.

ITMI
No classification provided. Condition: AllHighlyPenetrant. Last evaluated: 2013-09-19. Review status: no classification provided. Collection method: reference population. Allele origin: germline. Not counted in ClinVar's aggregate classification.
Comment: Please see associated publication for description of ethnicities

Literature cited by the submitters: PubMed 24728327 (cited by ITMI).